The following is an entry in ClinVar:

ClinVar aggregate classification (germline): Uncertain significance (1 of 4 stars; one submission).

gnomAD v4.1: 1 of 1,551,300 alleles (0.000064%); highest among the groups gnomAD compares: South Asian, 0.0012%; no homozygotes.

Submission:

Labcorp Genetics (formerly Invitae), Labcorp
Classification: Uncertain significance. Last evaluated: 2023-12-26. Review status: criteria provided, single submitter. Criteria: Invitae Variant Classification Sherloc (09022015). Collection method: clinical testing. Allele origin: germline.
Comment: This sequence change replaces threonine, which is neutral and polar, with proline, which is neutral and non-polar, at codon 623 of the ZSWIM6 protein (p.Thr623Pro). This variant is not present in population databases (gnomAD no frequency). This variant has not been reported in the literature in individuals affected with ZSWIM6-related conditions. Advanced modeling of protein sequence and biophysical properties (such as structural, functional, and spatial information, amino acid conservation, physicochemical variation, residue mobility, and thermodynamic stability) performed at Invitae indicates that this missense variant is not expected to disrupt ZSWIM6 protein function with a negative predictive value of 80%. In summary, the available evidence is currently insufficient to determine the role of this variant in disease. Therefore, it has been classified as a Variant of Uncertain Significance.

NM_020928.2(ZSWIM6):c.1867A>C (p.Thr623Pro)

Gene: ZSWIM6 (zinc finger SWIM-type containing 6; plus strand). Cytogenetic location: 5q12.1.
Variant type: single nucleotide variant.
Coding change: c.1867A>C on transcript NM_020928.2 (MANE Select); coding-DNA position 1867, A replaced by C.
Protein change: p.Thr623Pro; replaces threonine 623 with proline.
Molecular consequence: missense variant.
Genome position (GRCh38, 1-based): chr5:61,530,081, A>C. VCF-style: chr5-61530081-A-C. GRCh37 (hg19) VCF-style: chr5-60825908-A-C.
Other names: short protein forms T623P.
Identifiers: ClinVar variation 2852902 (VCV002852902.3), dbSNP rs921808376, ClinGen allele CA359944053.